The following is an entry in ClinVar:

NM_003872.3(NRP2):c.2032C>T (p.Arg678Trp)

Genes: NRP2 (neuropilin 2; plus strand), LOC126806481 (CDK7 strongly-dependent group 2 enhancer GRCh37_chr2:206617009-206618208; plus strand). Cytogenetic location: 2q33.3.
Variant type: single nucleotide variant.
Coding change: c.2032C>T on transcript NM_003872.3 (MANE Select); coding-DNA position 2032, C replaced by T.
Protein change: p.Arg678Trp; replaces arginine 678 with tryptophan.
Molecular consequence: missense variant.
Genome position (GRCh38, 1-based): chr2:205,752,963, C>T. VCF-style: chr2-205752963-C-T. GRCh37 (hg19) VCF-style: chr2-206617687-C-T.
Other names: c.2032C>T, p.Arg678Trp (NM_018534.4, NM_201266.2, NM_201267.2 and 1 more transcripts); short protein forms R678W.
Identifiers: ClinVar variation 4559237 (VCV004559237.2).
Genomic context (GRCh38, chr2:205,752,963, plus strand): 5'-ATGTATGACCATGCCAAGTGGCTCCGGACCACCTGGGCCAGCAGCTCCAGCCCAAACGAC[C>T]GGACGTTTCCAGGTAAGCCAGCTGTGAGTGAAGATATGAAAGAGTTAAGGCCAGCTTGTT-3'
Protein context (NP_003863.2, residues 668-688): TWASSSSPND[Arg678Trp]TFPDDRNFLR

ClinVar aggregate classification (germline): Uncertain significance. Review status: criteria provided, multiple submitters, no conflicts (2 of 4 stars). 2 submissions from 2 submitters: Uncertain significance (2). Last evaluated 2025-11-12.

Conditions:
NRP2-related disorder. Also called: NRP2-related condition.

gnomAD v4.1: 49 of 1,613,438 alleles (0.003%); highest among the groups gnomAD compares: South Asian, 0.03%; no homozygotes.

Submissions (2):

Ambry Genetics
Classification: Uncertain significance. Last evaluated: 2025-11-12. Review status: criteria provided, single submitter. Criteria: Ambry Variant Classification Scheme 2023. Collection method: clinical testing. Allele origin: germline.

PreventionGenetics, part of Exact Sciences
Classification: Uncertain significance for NRP2-related condition. Last evaluated: 2025-02-28. Review status: criteria provided, single submitter. Criteria: ACMG Guidelines, 2015. Collection method: clinical testing. Allele origin: germline.
Comment: The NRP2 c.2032C>T variant is predicted to result in the amino acid substitution p.Arg678Trp. To our knowledge, this variant has not been reported in the literature. This variant is reported in 0.026% of alleles in individuals of South Asian descent in gnomAD. At this time, the clinical significance of this variant is uncertain due to the absence of conclusive functional and genetic evidence.